The following is an entry in ClinVar:

NM_001692.4(ATP6V1B1):c.264G>A (p.Ala88=)

Gene: ATP6V1B1 (ATPase H+ transporting V1 subunit B1; plus strand). Cytogenetic location: 2p13.3.
Variant type: single nucleotide variant.
Coding change: c.264G>A on transcript NM_001692.4 (MANE Select); coding-DNA position 264, G replaced by A.
Protein change: p.Ala88=; no amino-acid change (alanine 88 retained).
Molecular consequence: synonymous variant.
Genome position (GRCh38, 1-based): chr2:70,958,135, G>A. VCF-style: chr2-70958135-G-A. GRCh37 (hg19) VCF-style: chr2-71185265-G-A.
Identifiers: ClinVar variation 44226 (VCV000044226.49), dbSNP rs147576439, ClinGen allele CA133780.
Genomic context (GRCh38, chr2:70,958,135, plus strand): 5'-CACCCTCCCAGATGGGACTCAGAGGAGCGGGCAGGTGCTTGAGGTGGCTGGCACCAAGGC[G>A]ATTGTTCAGGTGAGTGGGGTCAATGGGACATTGGCTAGTTAAATCAATGAATTAACCCAT-3'
Protein context (NP_001683.2, residues 78-98): GQVLEVAGTK[Ala88=]IVQVFEGTSG

ClinVar aggregate classification (germline): Conflicting classifications of pathogenicity. Review status: criteria provided, conflicting classifications (1 of 4 stars). 8 submissions from 8 submitters: Uncertain significance (1); Benign (1); Likely benign (4). 2 of the submissions do not count toward it. Last evaluated 2026-01-24.

Conditions:
ATP6V1B1-related disorder. Also called: ATP6V1B1-related condition.
Renal tubular acidosis with progressive nerve deafness. Also called: renal tubular acidosis, distal, 2, with progressive sensorineural hearing loss; Distal Renal Tubular Acidosis with Progressive Sensorineural Deafness; RENAL TUBULAR ACIDOSIS, AUTOSOMAL RECESSIVE, WITH PROGRESSIVE NERVE DEAFNESS; RTA WITH PROGRESSIVE NERVE DEAFNESS. Identifiers: MedGen C0403554, MONDO:0009968, OMIM 267300.

Allele frequency attached by ClinVar (database versions not stated): 1000 Genomes Project 0.00020; 1000 Genomes Project 30x 0.00031; gnomAD 0.00078 and 0.00080; TOPMed 0.00079; gnomAD exomes 0.00097 and 0.00136; ExAC 0.00125; ESP Exome Variant Server 0.00154.
gnomAD v4.1: 2,084 of 1,614,018 alleles (0.13%); highest among the groups gnomAD compares: Non-Finnish European, 0.16%; 1 homozygote.

Submissions (8):

Labcorp Genetics (formerly Invitae), Labcorp
Classification: Benign. Last evaluated: 2026-01-24. Review status: criteria provided, single submitter. Criteria: Invitae Variant Classification Sherloc (09022015). Collection method: clinical testing. Allele origin: germline.

Blueprint Genetics
Classification: Likely benign. Last evaluated: 2024-10-23. Review status: criteria provided, single submitter. Criteria: ACMG Guidelines, 2015. Collection method: clinical testing. Allele origin: germline.

CeGaT Center for Human Genetics Tuebingen
Classification: Likely benign. Last evaluated: 2023-04-01. Review status: criteria provided, single submitter. Criteria: CeGaT Center For Human Genetics Tuebingen Variant Classification Criteria Version 2. Collection method: clinical testing. Allele origin: germline. Affected: yes. Observed: 1 variant allele.
Comment: ATP6V1B1: BP4, BP7

GeneDx
Classification: Likely benign. Last evaluated: 2020-07-24. Review status: criteria provided, single submitter. Criteria: GeneDx Variant Classification Process June 2021. Collection method: clinical testing. Allele origin: germline. Affected: yes.

Illumina Laboratory Services, Illumina
Classification: Uncertain significance for Renal tubular acidosis with progressive nerve deafness. Last evaluated: 2018-01-13. Review status: criteria provided, single submitter. Criteria: ICSL Variant Classification Criteria 13 December 2019. Collection method: clinical testing. Allele origin: germline.

Laboratory for Molecular Medicine, Mass General Brigham Personalized Medicine
Classification: Likely benign. Last evaluated: 2015-09-03. Review status: criteria provided, single submitter. Criteria: LMM Criteria. Collection method: clinical testing. Allele origin: germline. Observed: 6 variant alleles.
Comment: p.Ala88Ala in exon 3 of ATP6V1B1: This variant is not expected to have clinical significance because it does not alter an amino acid residue, is not located wit hin the splice consensus sequence, and has been identified in 0.2% (123/64670) E uropean chromosomes by the Exome Aggregation Consortium (ExAC; dbSNP rs147576439).

PreventionGenetics, part of Exact Sciences
Classification: Likely benign for ATP6V1B1-related condition. Last evaluated: 2021-12-23. Review status: no assertion criteria provided. Collection method: clinical testing. Allele origin: germline. Not counted in ClinVar's aggregate classification.
Comment: This variant is classified as likely benign based on ACMG/AMP sequence variant interpretation guidelines (Richards et al. 2015 PMID: 25741868, with internal and published modifications).

Natera, Inc.
Classification: Likely benign for Renal tubular acidosis with progressive nerve deafness. Last evaluated: 2019-12-17. Review status: no assertion criteria provided. Collection method: clinical testing. Allele origin: germline. Not counted in ClinVar's aggregate classification.